The following is an entry in ClinVar:

ClinVar aggregate classification (germline): Uncertain significance. Review status: criteria provided, multiple submitters, no conflicts (2 of 4 stars). 2 submissions from 2 submitters: Uncertain significance (2). Last evaluated 2024-07-16.

Conditions:
Holoprosencephaly 3 (HPE3). Identifiers: Orphanet 2162, MedGen C1840529, MONDO:0007733, OMIM 142945.
Inborn genetic diseases. Identifiers: MedGen C0950123, MeSH D030342.

gnomAD v4.1: 5 of 1,533,388 alleles (0.00033%); highest among the groups gnomAD compares: Admixed American, 0.002%; no homozygotes.

Submissions (2):

Ambry Genetics
Classification: Uncertain significance for Inborn genetic diseases. Last evaluated: 2024-07-16. Review status: criteria provided, single submitter. Criteria: Ambry Variant Classification Scheme 2023. Collection method: clinical testing. Allele origin: germline.

Labcorp Genetics (formerly Invitae), Labcorp
Classification: Uncertain significance for Holoprosencephaly 3. Last evaluated: 2024-04-07. Review status: criteria provided, single submitter. Criteria: Invitae Variant Classification Sherloc (09022015). Collection method: clinical testing. Allele origin: germline.
Comment: This sequence change replaces alanine, which is neutral and non-polar, with glutamic acid, which is acidic and polar, at codon 287 of the SHH protein (p.Ala287Glu). This variant is present in population databases (no rsID available, gnomAD 0.007%). This variant has not been reported in the literature in individuals affected with SHH-related conditions. An algorithm developed to predict the effect of missense changes on protein structure and function (PolyPhen-2) suggests that this variant is likely to be disruptive. In summary, the available evidence is currently insufficient to determine the role of this variant in disease. Therefore, it has been classified as a Variant of Uncertain Significance.

NM_000193.4(SHH):c.860C>A (p.Ala287Glu)

Gene: SHH (sonic hedgehog signaling molecule; minus strand). Cytogenetic location: 7q36.3.
Variant type: single nucleotide variant.
Coding change: c.860C>A on transcript NM_000193.4 (MANE Select); coding-DNA position 860, C replaced by A.
Protein change: p.Ala287Glu; replaces alanine 287 with glutamic acid.
Molecular consequence: missense variant. On other transcripts: intron variant (1).
Genome position (GRCh38, 1-based): chr7:155,803,429, G>T on the plus strand (C>A on the coding strand, the complement: SHH is on the minus strand). VCF-style: chr7-155803429-G-T. GRCh37 (hg19) VCF-style: chr7-155596123-G-T.
Other names: c.301+2867C>A (NM_001310462.2); short protein forms A287E.
Identifiers: ClinVar variation 3441375 (VCV003441375.3).